The following is an entry in ClinVar:

ClinVar aggregate classification (germline): Uncertain significance. Review status: criteria provided, multiple submitters, no conflicts (2 of 4 stars). 2 submissions from 2 submitters: Uncertain significance (2). Last evaluated 2025-06-24.

Conditions:
Inborn genetic diseases. Identifiers: MedGen C0950123, MeSH D030342.

Allele frequency attached by ClinVar (database versions not stated): TOPMed 0.00001.
gnomAD v4.1: 4 of 1,565,724 alleles (0.00026%); highest among the groups gnomAD compares: Admixed American, 0.0018%; no homozygotes.

Submissions (2):

GeneDx
Classification: Uncertain significance. Last evaluated: 2025-06-24. Review status: criteria provided, single submitter. Criteria: GeneDx Variant Classification Process June 2021. Collection method: clinical testing. Allele origin: germline. Affected: yes.
Comment: Not observed at significant frequency in large population cohorts (gnomAD); In silico analysis suggests that this missense variant does not alter protein structure/function; Has not been previously published as pathogenic or benign to our knowledge

Ambry Genetics
Classification: Uncertain significance for Inborn genetic diseases. Last evaluated: 2024-01-03. Review status: criteria provided, single submitter. Criteria: Ambry Variant Classification Scheme 2023. Collection method: clinical testing. Allele origin: germline.

NM_001377.3(DYNC2H1):c.7595G>A (p.Arg2532Gln)

Gene: DYNC2H1 (dynein cytoplasmic 2 heavy chain 1; plus strand). Cytogenetic location: 11q22.3.
Variant type: single nucleotide variant.
Coding change: c.7595G>A on transcript NM_001377.3 (MANE Select); coding-DNA position 7595, G replaced by A.
Protein change: p.Arg2532Gln; replaces arginine 2532 with glutamine.
Molecular consequence: missense variant.
Genome position (GRCh38, 1-based): chr11:103,192,151, G>A. VCF-style: chr11-103192151-G-A. GRCh37 (hg19) VCF-style: chr11-103062880-G-A.
Other names: c.7595G>A, p.Arg2532Gln (NM_001080463.2); short protein forms R2532Q.
Identifiers: ClinVar variation 2260447 (VCV002260447.3), dbSNP rs1458533835, ClinGen allele CA382254375.